The following is an entry in ClinVar:

NM_031407.7(HUWE1):c.4515T>G (p.Ser1505Arg)

Gene: HUWE1 (HECT, UBA and WWE domain containing E3 ubiquitin protein ligase 1; minus strand). Cytogenetic location: Xp11.22.
Variant type: single nucleotide variant.
Coding change: c.4515T>G on transcript NM_031407.7 (MANE Select); coding-DNA position 4515, T replaced by G.
Protein change: p.Ser1505Arg; replaces serine 1505 with arginine.
Molecular consequence: missense variant.
Genome position (GRCh38, 1-based): chrX:53,588,481, A>C on the plus strand (T>G on the coding strand, the complement: HUWE1 is on the minus strand). VCF-style: chrX-53588481-A-C. GRCh37 (hg19) VCF-style: chrX-53615441-A-C.
Other names: short protein forms S1505R.
Identifiers: ClinVar variation 2635323 (VCV002635323.2), dbSNP rs782626998, ClinGen allele CA10422389.

ClinVar aggregate classification (germline): Uncertain significance (1 of 4 stars; one submission).

Conditions:
HUWE1-related disorder. Also called: HUWE1-related condition.

Allele frequency attached by ClinVar (database versions not stated): gnomAD exomes below 0.00001; ExAC 0.00002.
gnomAD v4.1: 1 of 1,207,198 alleles (0.000083%); highest among the groups gnomAD compares: Admixed American, 0.0022%; no homozygotes.

Submission:

PreventionGenetics, part of Exact Sciences
Classification: Uncertain significance for HUWE1-related condition. Last evaluated: 2025-02-24. Review status: criteria provided, single submitter. Criteria: ACMG Guidelines, 2015. Collection method: clinical testing. Allele origin: germline.
Comment: The HUWE1 c.4515T>G variant is predicted to result in the amino acid substitution p.Ser1505Arg. To our knowledge, this variant has not been reported in the literature. This variant is reported in 0.0037% of alleles in individuals of Latino descent in gnomAD. At this time, the clinical significance of this variant is uncertain due to the absence of conclusive functional and genetic evidence.